The following is an entry in ClinVar:

ClinVar aggregate classification (germline): Uncertain significance (1 of 4 stars; one submission).

Submission:

GeneDx
Classification: Uncertain significance. Last evaluated: 2024-04-24. Review status: criteria provided, single submitter. Criteria: GeneDx Variant Classification Process June 2021. Collection method: clinical testing. Allele origin: germline. Affected: yes.
Comment: Not observed at significant frequency in large population cohorts (gnomAD); Missense variants in this gene are a common cause of disease and they are underrepresented in the general population; In silico analysis indicates that this missense variant does not alter protein structure/function; Has not been previously published as pathogenic or benign to our knowledge

NM_005633.4(SOS1):c.3316G>C (p.Asp1106His)

Gene: SOS1 (SOS Ras/Rac guanine nucleotide exchange factor 1; minus strand). Cytogenetic location: 2p22.1.
Variant type: single nucleotide variant.
Coding change: c.3316G>C on transcript NM_005633.4 (MANE Select); coding-DNA position 3316, G replaced by C.
Protein change: p.Asp1106His; replaces aspartic acid 1106 with histidine.
Molecular consequence: missense variant.
Genome position (GRCh38, 1-based): chr2:38,995,153, C>G on the plus strand (G>C on the coding strand, the complement: SOS1 is on the minus strand). VCF-style: chr2-38995153-C-G. GRCh37 (hg19) VCF-style: chr2-39222294-C-G.
Other names: c.3295G>C, p.Asp1099His (NM_001382394.1); c.3316G>C, p.Asp1106His (NM_001382395.1); short protein forms D1099H, D1106H.
Identifiers: ClinVar variation 3373077 (VCV003373077.1).
Genomic context (GRCh38, chr2:38,995,153, plus strand): 5'-CCTTAATGCACTTAGAATTTTTGCACCTACTTGAGTGAAAAGGGCTCGAATGATCGGAAT[C>G]AAATACACTGCAAACATCTGTGGTACTGGAAGCACCAGAAGCAGGCGGAGGTGTTAACGG-3'
Protein context (NP_005624.2, residues 1096-1116): SSTTDVCSVF[Asp1106His]SDHSSPFHSS